The following is an entry in ClinVar:

NM_007194.4(CHEK2):c.1110del (p.His371fs)

Gene: CHEK2 (checkpoint kinase 2; minus strand). Cytogenetic location: 22q12.1.
Variant type: Deletion.
Coding change: c.1110del on transcript NM_007194.4 (MANE Select); coding-DNA position 1110, one base deleted (G; older notation c.1110delG).
Protein change: p.His371fs; shifts the reading frame from histidine 371.
Molecular consequence: frameshift variant.
Genome position (GRCh38, 1-based): chr22:28,695,859, C deleted on the plus strand (G on the coding strand, the reverse complement: CHEK2 is on the minus strand); the first of 3 consecutive C bases (chr22:28,695,859-28,695,861); deleting any one gives the same sequence. VCF-style (leftmost placement, unchanged base first): chr22-28695858-GC-G. GRCh37 (hg19) VCF-style: chr22-29091846-GC-G.
Other names: c.1237delG, p.His414Thrfs (NM_001005735.3); c.445delG, p.His150Thrfs (NM_001257387.3); c.907delG, p.His304Thrfs (NM_001349956.3); c.1021delG, p.His342Thrfs (NM_145862.3); short protein forms H150fs, H371fs, H342fs, H304fs, H414fs.
Identifiers: ClinVar variation 3492170 (VCV003492170.1).

ClinVar aggregate classification (germline): Pathogenic (1 of 4 stars; one submission).

Conditions:
Hereditary cancer-predisposing syndrome. Also called: Tumor predisposition; Neoplastic Syndromes, Hereditary; Hereditary Cancer Syndrome; Hereditary neoplastic syndrome. Identifiers: Orphanet 140162, MedGen C0027672, MeSH D009386, MONDO:0015356.

Submission:

Ambry Genetics
Classification: Pathogenic for Hereditary cancer-predisposing syndrome. Last evaluated: 2024-06-26. Review status: criteria provided, single submitter. Criteria: Ambry Variant Classification Scheme 2023. Collection method: clinical testing. Allele origin: germline.
Comment: The c.1110delG pathogenic mutation, located in coding exon 10 of the CHEK2 gene, results from a deletion of one nucleotide at nucleotide position 1110, causing a translational frameshift with a predicted alternate stop codon (p.H371Tfs*11). This variant is considered to be rare based on population cohorts in the Genome Aggregation Database (gnomAD). This alteration is expected to result in loss of function by premature protein truncation or nonsense-mediated mRNA decay. As such, this alteration is interpreted as a disease-causing mutation.